The following is an entry in ClinVar:

NM_152383.5(DIS3L2):c.1682A>G (p.Asp561Gly)

Gene: DIS3L2 (DIS3 like 3'-5' exoribonuclease 2; plus strand). Cytogenetic location: 2q37.1.
Variant type: single nucleotide variant.
Coding change: c.1682A>G on transcript NM_152383.5 (MANE Select); coding-DNA position 1682, A replaced by G.
Protein change: p.Asp561Gly; replaces aspartic acid 561 with glycine.
Molecular consequence: missense variant. On other transcripts: non-coding transcript variant (2), intron variant (1).
Genome position (GRCh38, 1-based): chr2:232,300,062, A>G. VCF-style: chr2-232300062-A-G. GRCh37 (hg19) VCF-style: chr2-233164772-A-G.
Other names: c.1581+36700A>G (NM_001257281.2); short protein forms D561G.
Identifiers: ClinVar variation 2167538 (VCV002167538.4), dbSNP rs2470145969, ClinGen allele CA350978517.

ClinVar aggregate classification (germline): Uncertain significance (1 of 4 stars; one submission).

Conditions:
Perlman syndrome (PRLMNS). Identifiers: Orphanet 2849, MedGen C0796113, MONDO:0009965, OMIM 267000.

Submission:

Labcorp Genetics (formerly Invitae), Labcorp
Classification: Uncertain significance for Perlman syndrome. Last evaluated: 2022-02-07. Review status: criteria provided, single submitter. Criteria: Invitae Variant Classification Sherloc (09022015). Collection method: clinical testing. Allele origin: germline.
Comment: This sequence change replaces aspartic acid, which is acidic and polar, with glycine, which is neutral and non-polar, at codon 561 of the DIS3L2 protein (p.Asp561Gly). This variant is not present in population databases (gnomAD no frequency). This variant has not been reported in the literature in individuals affected with DIS3L2-related conditions. Algorithms developed to predict the effect of missense changes on protein structure and function are either unavailable or do not agree on the potential impact of this missense change (SIFT: "Deleterious"; PolyPhen-2: "Probably Damaging"; Align-GVGD: "Class C0"). In summary, the available evidence is currently insufficient to determine the role of this variant in disease. Therefore, it has been classified as a Variant of Uncertain Significance.